The following is an entry in ClinVar:

ClinVar aggregate classification (germline): Uncertain significance. Review status: criteria provided, multiple submitters, no conflicts (2 of 4 stars). 2 submissions from 2 submitters: Uncertain significance (2). Last evaluated 2025-08-12.

Conditions:
Inborn genetic diseases. Identifiers: MedGen C0950123, MeSH D030342.

Allele frequency attached by ClinVar (database versions not stated): ExAC 0.00001; gnomAD 0.00001; gnomAD exomes 0.00002; TOPMed 0.00003.
gnomAD v4.1: 36 of 1,611,260 alleles (0.0022%); highest among the groups gnomAD compares: East Asian, 0.051%; 2 homozygotes.

Submissions (2):

Ambry Genetics
Classification: Uncertain significance for Inborn genetic diseases. Last evaluated: 2025-08-12. Review status: criteria provided, single submitter. Criteria: Ambry Variant Classification Scheme 2023. Collection method: clinical testing. Allele origin: germline.

Labcorp Genetics (formerly Invitae), Labcorp
Classification: Uncertain significance. Last evaluated: 2025-02-17. Review status: criteria provided, single submitter. Criteria: Invitae Variant Classification Sherloc (09022015). Collection method: clinical testing. Allele origin: germline.
Comment: This sequence change replaces arginine, which is basic and polar, with glutamine, which is neutral and polar, at codon 1492 of the SI protein (p.Arg1492Gln). This variant is present in population databases (rs369855589, gnomAD 0.03%). This variant has not been reported in the literature in individuals affected with SI-related conditions. ClinVar contains an entry for this variant (Variation ID: 1525701). Invitae Evidence Modeling of protein sequence and biophysical properties (such as structural, functional, and spatial information, amino acid conservation, physicochemical variation, residue mobility, and thermodynamic stability) indicates that this missense variant is not expected to disrupt SI protein function with a negative predictive value of 95%. In summary, the available evidence is currently insufficient to determine the role of this variant in disease. Therefore, it has been classified as a Variant of Uncertain Significance.

NM_001041.4(SI):c.4475G>A (p.Arg1492Gln)

Gene: SI (sucrase-isomaltase; minus strand). Cytogenetic location: 3q26.1.
Variant type: single nucleotide variant.
Coding change: c.4475G>A on transcript NM_001041.4 (MANE Select); coding-DNA position 4475, G replaced by A.
Protein change: p.Arg1492Gln; replaces arginine 1492 with glutamine.
Molecular consequence: missense variant.
Genome position (GRCh38, 1-based): chr3:164,998,605, C>T on the plus strand (G>A on the coding strand, the complement: SI is on the minus strand). VCF-style: chr3-164998605-C-T. GRCh37 (hg19) VCF-style: chr3-164716393-C-T.
Other names: c.4475G>A (NM_001041.3); short protein forms R1492Q.
Identifiers: ClinVar variation 1525701 (VCV001525701.9), dbSNP rs369855589, ClinGen allele CA2689903.